The following is an entry in ClinVar:

NM_020686.6(ABAT):c.1145G>A (p.Trp382Ter)

Gene: ABAT (4-aminobutyrate aminotransferase; plus strand). Cytogenetic location: 16p13.2.
Variant type: single nucleotide variant.
Coding change: c.1145G>A on transcript NM_020686.6 (MANE Select); coding-DNA position 1145, G replaced by A.
Protein change: p.Trp382Ter; replaces tryptophan 382 with a stop codon.
Molecular consequence: nonsense.
Genome position (GRCh38, 1-based): chr16:8,776,366, G>A. VCF-style: chr16-8776366-G-A. GRCh37 (hg19) VCF-style: chr16-8870223-G-A.
Other names: c.1145G>A, p.Trp382Ter (NM_000663.5, NM_001127448.2, NM_001386600.1 and 6 more transcripts); c.1106G>A, p.Trp369Ter (NM_001386605.1); c.1082G>A, p.Trp361Ter (NM_001386606.1, NM_001386607.1); c.1052G>A, p.Trp351Ter (NM_001386608.1); c.1010G>A, p.Trp337Ter (NM_001386610.1, NM_001386611.1); c.947G>A, p.Trp316Ter (NM_001386612.1, NM_001386613.1); c.899G>A, p.Trp300Ter (NM_001386614.1); c.1241G>A, p.Trp414Ter (NM_001386615.1); short protein forms W337*, W382*, W300*, W316*, W351*, W361*, W369*, W414*.
Identifiers: ClinVar variation 4713129 (VCV004713129.1).

ClinVar aggregate classification (germline): Pathogenic (1 of 4 stars; one submission).

Conditions:
Gamma-aminobutyric acid transaminase deficiency (GABATD). Also called: GABA transaminase deficiency; Gamma aminobutyrate transaminase deficiency; 4 alpha aminobutyrate transaminase deficiency; GABA aminotransaminase deficiency. Identifiers: Orphanet 2066, MedGen C0342708, MONDO:0013166, OMIM 613163.

Submission:

Labcorp Genetics (formerly Invitae), Labcorp
Classification: Pathogenic for Gamma-aminobutyric acid transaminase deficiency. Last evaluated: 2025-05-02. Review status: criteria provided, single submitter. Criteria: Invitae Variant Classification Sherloc (09022015). Collection method: clinical testing. Allele origin: germline.
Comment: This sequence change creates a premature translational stop signal (p.Trp382*) in the ABAT gene. It is expected to result in an absent or disrupted protein product. Loss-of-function variants in ABAT are known to be pathogenic (PMID: 20052547, 25738457). This variant is not present in population databases (gnomAD no frequency). This variant has not been reported in the literature in individuals affected with ABAT-related conditions. For these reasons, this variant has been classified as Pathogenic.

Literature cited by the submitters: PubMed 20052547; PubMed 25738457.